The following is an entry in ClinVar:

ClinVar aggregate classification (germline): Uncertain significance (1 of 4 stars; one submission).

Submission:

Labcorp Genetics (formerly Invitae), Labcorp
Classification: Uncertain significance. Last evaluated: 2025-07-10. Review status: criteria provided, single submitter. Criteria: Invitae Variant Classification Sherloc (09022015). Collection method: clinical testing. Allele origin: germline.
Comment: This sequence change falls in intron 6 of the WFS1 gene. It does not directly change the encoded amino acid sequence of the WFS1 protein. It affects a nucleotide within the consensus splice site. This variant is not present in population databases (gnomAD no frequency). This variant has not been reported in the literature in individuals affected with WFS1-related conditions. ClinVar contains an entry for this variant (Variation ID: 3648590). Variants that disrupt the consensus splice site are a relatively common cause of aberrant splicing (PMID: 17576681, 9536098). Algorithms developed to predict the effect of sequence changes on RNA splicing suggest that this variant is not likely to affect RNA splicing. In summary, the available evidence is currently insufficient to determine the role of this variant in disease. Therefore, it has been classified as a Variant of Uncertain Significance.

Literature cited by the submitters: PubMed 17576681; PubMed 9536098.

NM_006005.3(WFS1):c.713-3C>T

Gene: WFS1 (wolframin ER transmembrane glycoprotein; plus strand). Cytogenetic location: 4p16.1.
Variant type: single nucleotide variant.
Coding change: c.713-3C>T on transcript NM_006005.3 (MANE Select); 3 bases into the intron before coding-DNA position 713, C replaced by T.
Molecular consequence: intron variant.
Genome position (GRCh38, 1-based): chr4:6,295,038, C>T. VCF-style: chr4-6295038-C-T. GRCh37 (hg19) VCF-style: chr4-6296765-C-T.
Other names: c.713-3C>T (NM_001145853.1).
Identifiers: ClinVar variation 3648590 (VCV003648590.2).